The following is an entry in ClinVar:

ClinVar aggregate classification (germline): Uncertain significance (1 of 4 stars; one submission).

Conditions:
GHR-related disorder. Also called: GHR-related condition.

Submission:

PreventionGenetics, part of Exact Sciences
Classification: Uncertain significance for GHR-related condition. Last evaluated: 2025-12-02. Review status: criteria provided, single submitter. Criteria: ACMG Guidelines, 2015. Collection method: clinical testing. Allele origin: germline.
Comment: The GHR c.121C>G variant is predicted to result in the amino acid substitution p.Pro41Ala. To our knowledge, this variant has not been reported in the literature or in a large population database (gnomAD), indicating this variant is rare. At this time, the clinical significance of this variant is uncertain due to the absence of conclusive functional and genetic evidence.

NM_000163.5(GHR):c.121C>G (p.Pro41Ala)

Gene: GHR (growth hormone receptor; plus strand). Cytogenetic location: 5p12.
Variant type: single nucleotide variant.
Coding change: c.121C>G on transcript NM_000163.5 (MANE Select); coding-DNA position 121, C replaced by G.
Protein change: p.Pro41Ala; replaces proline 41 with alanine.
Molecular consequence: missense variant. On other transcripts: intron variant (1).
Genome position (GRCh38, 1-based): chr5:42,629,088, C>G. VCF-style: chr5-42629088-C-G. GRCh37 (hg19) VCF-style: chr5-42629190-C-G.
Other names: c.142C>G, p.Pro48Ala (NM_001242399.2); c.121C>G, p.Pro41Ala (NM_001242400.2, NM_001242401.4, NM_001242402.2 and 5 more transcripts); c.71-59802C>G (NM_001242460.2); short protein forms P41A, P48A.
Identifiers: ClinVar variation 4993491 (VCV004993491.1).